The following is an entry in ClinVar:

NM_001284236.3(ZFYVE16):c.1798G>A (p.Asp600Asn)

Gene: ZFYVE16 (zinc finger FYVE-type containing 16; plus strand). Cytogenetic location: 5q14.1.
Variant type: single nucleotide variant.
Coding change: c.1798G>A on transcript NM_001284236.3 (MANE Select); coding-DNA position 1798, G replaced by A.
Protein change: p.Asp600Asn; replaces aspartic acid 600 with asparagine.
Molecular consequence: missense variant. On other transcripts: non-coding transcript variant (3).
Genome position (GRCh38, 1-based): chr5:80,438,483, G>A. VCF-style: chr5-80438483-G-A. GRCh37 (hg19) VCF-style: chr5-79734302-G-A.
Other names: c.1798G>A, p.Asp600Asn (NM_001284237.2, NM_001349434.2, NM_014733.6 and 1 more transcripts); short protein forms D600N.
Identifiers: ClinVar variation 545559 (VCV000545559.2), dbSNP rs1561277007, ClinGen allele CA360265796.

ClinVar aggregate classification (germline): Uncertain significance (0 of 4 stars; one submission).

Conditions:
Dextrocardia. Identifiers: Orphanet 1666, MedGen C0011813, MONDO:0015661, HP:0001651.

Submission:

Lupski Lab, Baylor-Hopkins CMG, Baylor College of Medicine
Classification: Uncertain significance for Dextrocardia. Last evaluated: 2018-05-28. Review status: no assertion criteria provided. Collection method: research. Allele origin: germline. Affected: yes. Observed: 1 variant allele.
Comment: This gene has not been previously associated with human disease.